The following is an entry in ClinVar:

NM_001408.3(CELSR2):c.4199G>A (p.Arg1400His)

Gene: CELSR2 (cadherin EGF LAG seven-pass G-type receptor 2; plus strand). Cytogenetic location: 1p13.3.
Variant type: single nucleotide variant.
Coding change: c.4199G>A on transcript NM_001408.3 (MANE Select); coding-DNA position 4199, G replaced by A.
Protein change: p.Arg1400His; replaces arginine 1400 with histidine.
Molecular consequence: missense variant.
Genome position (GRCh38, 1-based): chr1:109,261,530, G>A. VCF-style: chr1-109261530-G-A. GRCh37 (hg19) VCF-style: chr1-109804152-G-A.
Other names: short protein forms R1400H.
Identifiers: ClinVar variation 2292603 (VCV002292603.5), dbSNP rs149106884, ClinGen allele CA987160.
Genomic context (GRCh38, chr1:109,261,530, plus strand): 5'-GTGGGTACCCCATTCCCTGCCCCCATCCCCAACTCCTGTTCAGGTTTGCCACAAAGGAGC[G>A]CGACGGGTTGCTGTTGTACAATGGGCGTTTCAATGAGAAGCATGACTTTGTGGCCCTCGA-3'
Protein context (NP_001399.1, residues 1390-1410): TLALSFATKE[Arg1400His]DGLLLYNGRF

ClinVar aggregate classification (germline): Uncertain significance. Review status: criteria provided, multiple submitters, no conflicts (2 of 4 stars). 2 submissions from 2 submitters: Uncertain significance (2). Last evaluated 2025-05-07.

Allele frequency attached by ClinVar (database versions not stated): ESP Exome Variant Server 0.00023; gnomAD 0.00039; 1000 Genomes Project 30x 0.00094; 1000 Genomes Project 0.00100.
gnomAD v4.1: 138 of 1,614,166 alleles (0.0085%); highest among the groups gnomAD compares: African/African-American, 0.12%; no homozygotes.

Submissions (2):

Ambry Genetics
Classification: Uncertain significance. Last evaluated: 2025-05-07. Review status: criteria provided, single submitter. Criteria: Ambry Variant Classification Scheme 2023. Collection method: clinical testing. Allele origin: germline.

Labcorp Genetics (formerly Invitae), Labcorp
Classification: Uncertain significance. Last evaluated: 2024-11-18. Review status: criteria provided, single submitter. Criteria: Invitae Variant Classification Sherloc (09022015). Collection method: clinical testing. Allele origin: germline.
Comment: This sequence change replaces arginine, which is basic and polar, with histidine, which is basic and polar, at codon 1400 of the CELSR2 protein (p.Arg1400His). This variant is present in population databases (rs149106884, gnomAD 0.08%), and has an allele count higher than expected for a pathogenic variant. This variant has not been reported in the literature in individuals affected with CELSR2-related conditions. ClinVar contains an entry for this variant (Variation ID: 2292603). Invitae Evidence Modeling of protein sequence and biophysical properties (such as structural, functional, and spatial information, amino acid conservation, physicochemical variation, residue mobility, and thermodynamic stability) indicates that this missense variant is not expected to disrupt CELSR2 protein function with a negative predictive value of 80%. In summary, the available evidence is currently insufficient to determine the role of this variant in disease. Therefore, it has been classified as a Variant of Uncertain Significance.